The following is an entry in ClinVar:

ClinVar aggregate classification (germline): Uncertain significance. Review status: criteria provided, multiple submitters, no conflicts (2 of 4 stars). 2 submissions from 2 submitters: Uncertain significance (2). Last evaluated 2025-08-07.

Allele frequency attached by ClinVar (database versions not stated): TOPMed 0.00001; gnomAD exomes 0.00002 and 0.00004; gnomAD 0.00003 and 0.00004; ExAC 0.00004.
gnomAD v4.1: 28 of 1,609,224 alleles (0.0017%); highest among the groups gnomAD compares: Non-Finnish European, 0.0023%; no homozygotes.

Submissions (2):

Labcorp Genetics (formerly Invitae), Labcorp
Classification: Uncertain significance. Last evaluated: 2025-08-07. Review status: criteria provided, single submitter. Criteria: Invitae Variant Classification Sherloc (09022015). Collection method: clinical testing. Allele origin: germline.
Comment: This sequence change replaces proline, which is neutral and non-polar, with threonine, which is neutral and polar, at codon 588 of the DCHS1 protein (p.Pro588Thr). This variant is present in population databases (rs771403719, gnomAD 0.009%). This variant has not been reported in the literature in individuals affected with DCHS1-related conditions. ClinVar contains an entry for this variant (Variation ID: 1302669). Invitae Evidence Modeling of protein sequence and biophysical properties (such as structural, functional, and spatial information, amino acid conservation, physicochemical variation, residue mobility, and thermodynamic stability) indicates that this missense variant is not expected to disrupt DCHS1 protein function with a negative predictive value of 80%. In summary, the available evidence is currently insufficient to determine the role of this variant in disease. Therefore, it has been classified as a Variant of Uncertain Significance.

GeneDx
Classification: Uncertain significance. Last evaluated: 2019-05-07. Review status: criteria provided, single submitter. Criteria: GeneDx Variant Classification Process June 2021. Collection method: clinical testing. Allele origin: germline. Affected: yes.
Comment: In silico analysis, which includes protein predictors and evolutionary conservation, supports that this variant does not alter protein structure/function; Has not been previously published as pathogenic or benign to our knowledge

NM_003737.4(DCHS1):c.1762C>A (p.Pro588Thr)

Gene: DCHS1 (dachsous cadherin-related 1; minus strand). Cytogenetic location: 11p15.4.
Variant type: single nucleotide variant.
Coding change: c.1762C>A on transcript NM_003737.4 (MANE Select); coding-DNA position 1762, C replaced by A.
Protein change: p.Pro588Thr; replaces proline 588 with threonine.
Molecular consequence: missense variant.
Genome position (GRCh38, 1-based): chr11:6,639,852, G>T on the plus strand (C>A on the coding strand, the complement: DCHS1 is on the minus strand). VCF-style: chr11-6639852-G-T. GRCh37 (hg19) VCF-style: chr11-6661083-G-T.
Other names: short protein forms P588T.
Identifiers: ClinVar variation 1302669 (VCV001302669.7), dbSNP rs771403719, ClinGen allele CA5860906.
Genomic context (GRCh38, chr11:6,639,852, plus strand): 5'-CTTGCTATGTGCCAGGCCTACCCACCTGCAGGAAGCAAGTTCCAGGCTGGGTGCCCTCAG[G>T]CAGTGAGGCATTGTAGAAAGTCCTCTGGAATTGGGGCTCATTATCATTCACATCTTGCAG-3'
Protein context (NP_003728.1, residues 578-598): FQRTFYNASL[Pro588Thr]EGTQPGTCFL